The following is an entry in ClinVar:

NM_003024.3(ITSN1):c.4452C>T (p.Asn1484=)

Gene: ITSN1 (intersectin 1; plus strand). Cytogenetic location: 21q22.11.
Variant type: single nucleotide variant.
Coding change: c.4452C>T on transcript NM_003024.3 (MANE Select); coding-DNA position 4452, C replaced by T.
Protein change: p.Asn1484=; no amino-acid change (asparagine 1484 retained).
Molecular consequence: synonymous variant.
Genome position (GRCh38, 1-based): chr21:33,882,353, C>T. VCF-style: chr21-33882353-C-T. GRCh37 (hg19) VCF-style: chr21-35254657-C-T.
Other names: c.4437C>T, p.Asn1479= (NM_001331010.2).
Identifiers: ClinVar variation 4980953 (VCV004980953.1).

ClinVar aggregate classification (germline): Likely benign (1 of 4 stars; one submission).

Conditions:
ITSN1-related disorder. Also called: ITSN1-related condition.

gnomAD v4.1: 371 of 1,614,202 alleles (0.023%); highest among the groups gnomAD compares: Non-Finnish European, 0.026%; no homozygotes.

Submission:

PreventionGenetics, part of Exact Sciences
Classification: Likely benign for ITSN1-related condition. Last evaluated: 2025-03-09. Review status: criteria provided, single submitter. Criteria: ACMG Guidelines, 2015. Collection method: clinical testing. Allele origin: germline.
Comment: This variant is classified as likely benign based on ACMG/AMP sequence variant interpretation guidelines (Richards et al. 2015 PMID: 25741868, with internal and published modifications).